The following is an entry in ClinVar:

ClinVar aggregate classification (germline): Uncertain significance (1 of 4 stars; one submission).

Conditions:
Hyperkalemic periodic paralysis. Also called: Familial hyperkalemic periodic paralysis; Gamstorp disease. Identifiers: Orphanet 682, MedGen C0238357, MONDO:0008224, OMIM 170500, HP:0007215.

Allele frequency attached by ClinVar (database versions not stated): ExAC 0.00001; gnomAD 0.00001; 1000 Genomes Project 30x 0.00016; 1000 Genomes Project 0.00020.
gnomAD v4.1: 1 of 1,613,884 alleles (0.000062%); highest among the groups gnomAD compares: African/African-American, 0.0013%; no homozygotes.

Submission:

Labcorp Genetics (formerly Invitae), Labcorp
Classification: Uncertain significance for Hyperkalemic periodic paralysis. Last evaluated: 2025-06-02. Review status: criteria provided, single submitter. Criteria: Invitae Variant Classification Sherloc (09022015). Collection method: clinical testing. Allele origin: germline.
Comment: This sequence change replaces glutamic acid, which is acidic and polar, with lysine, which is basic and polar, at codon 1686 of the SCN4A protein (p.Glu1686Lys). This variant is present in population databases (rs576168635, gnomAD 0.007%). This variant has not been reported in the literature in individuals affected with SCN4A-related conditions. ClinVar contains an entry for this variant (Variation ID: 2115530). Invitae Evidence Modeling of protein sequence and biophysical properties (such as structural, functional, and spatial information, amino acid conservation, physicochemical variation, residue mobility, and thermodynamic stability) indicates that this missense variant is not expected to disrupt SCN4A protein function with a negative predictive value of 95%. In summary, the available evidence is currently insufficient to determine the role of this variant in disease. Therefore, it has been classified as a Variant of Uncertain Significance.

NM_000334.4(SCN4A):c.5056G>A (p.Glu1686Lys)

Genes: GH-LCR (growth hormone locus control region; plus strand), SCN4A (sodium voltage-gated channel alpha subunit 4; minus strand). Cytogenetic location: 17q23.3.
Variant type: single nucleotide variant.
Coding change: c.5056G>A on transcript NM_000334.4 (MANE Select); coding-DNA position 5056, G replaced by A.
Protein change: p.Glu1686Lys; replaces glutamic acid 1686 with lysine.
Molecular consequence: missense variant.
Genome position (GRCh38, 1-based): chr17:63,941,226, C>T on the plus strand (G>A on the coding strand, the complement: SCN4A is on the minus strand). VCF-style: chr17-63941226-C-T. GRCh37 (hg19) VCF-style: chr17-62018586-C-T.
Other names: short protein forms E1686K.
Identifiers: ClinVar variation 2115530 (VCV002115530.4), dbSNP rs576168635, ClinGen allele CA8708844.
Genomic context (GRCh38, chr17:63,941,226, plus strand): 5'-TGAACTTCTCCTCCATGGTCTGCTTGAGGGCGTCCATTTCCCCAGAGTCACCCAGGACCT[C>T]TTTGGTCAGGGCAAAGAGGATGTCCAGGCAGTGGATCTTGTCCCCTGGCACCATGGGCAA-3'
Protein context (NP_000325.4, residues 1676-1696): CLDILFALTK[Glu1686Lys]VLGDSGEMDA